The following is an entry in ClinVar:

ClinVar aggregate classification (germline): Uncertain significance (1 of 4 stars; one submission).

Conditions:
Niemann-Pick disease, type B. Also called: Chronic Visceral ASMD (Niemann-Pick Disease Type B; NPD-B). Identifiers: Orphanet 77293, MedGen C0268243, MONDO:0011871, OMIM 607616. Disease mechanism: loss of function.
Niemann-Pick disease, type A. Also called: Infantile Neurovisceral ASMD (Niemann-Pick Disease Type A; NPD-A); SPHINGOMYELIN LIPIDOSIS; SPHINGOMYELINASE DEFICIENCY. Identifiers: Orphanet 77292, MedGen C0268242, MONDO:0009756, OMIM 257200. Disease mechanism: loss of function.

Submission:

Labcorp Genetics (formerly Invitae), Labcorp
Classification: Uncertain significance for Niemann-Pick disease, type B; Niemann-Pick disease, type A. Last evaluated: 2022-07-19. Review status: criteria provided, single submitter. Criteria: Invitae Variant Classification Sherloc (09022015). Collection method: clinical testing. Allele origin: germline.
Comment: This sequence change replaces glycine, which is neutral and non-polar, with arginine, which is basic and polar, at codon 492 of the SMPD1 protein (p.Gly492Arg). This variant is not present in population databases (gnomAD no frequency). This variant has not been reported in the literature in individuals affected with SMPD1-related conditions. Advanced modeling of protein sequence and biophysical properties (such as structural, functional, and spatial information, amino acid conservation, physicochemical variation, residue mobility, and thermodynamic stability) performed at Invitae indicates that this missense variant is not expected to disrupt SMPD1 protein function. In summary, the available evidence is currently insufficient to determine the role of this variant in disease. Therefore, it has been classified as a Variant of Uncertain Significance.

NM_000543.5(SMPD1):c.1474G>C (p.Gly492Arg)

Gene: SMPD1 (sphingomyelin phosphodiesterase 1; plus strand). Cytogenetic location: 11p15.4.
Variant type: single nucleotide variant.
Coding change: c.1474G>C on transcript NM_000543.5 (MANE Select); coding-DNA position 1474, G replaced by C.
Protein change: p.Gly492Arg; replaces glycine 492 with arginine.
Molecular consequence: missense variant. On other transcripts: non-coding transcript variant (2).
Genome position (GRCh38, 1-based): chr11:6,394,029, G>C. VCF-style: chr11-6394029-G-C. GRCh37 (hg19) VCF-style: chr11-6415259-G-C.
Other names: c.1471G>C, p.Gly491Arg (NM_001007593.3); c.1474G>C, p.Gly492Arg (NM_001318087.2); c.553G>C, p.Gly185Arg (NM_001318088.2); c.1342G>C, p.Gly448Arg (NM_001365135.2); short protein forms G491R, G448R, G185R, G492R.
Identifiers: ClinVar variation 2024216 (VCV002024216.4), dbSNP rs144873307, ClinGen allele CA379375554.